The following is an entry in ClinVar:

NM_001278716.2(FBXL4):c.1149T>C (p.Ser383=)

Gene: FBXL4 (F-box and leucine rich repeat protein 4; minus strand). Cytogenetic location: 6q16.1.
Variant type: single nucleotide variant.
Coding change: c.1149T>C on transcript NM_001278716.2 (MANE Select); coding-DNA position 1149, T replaced by C.
Protein change: p.Ser383=; no amino-acid change (serine 383 retained).
Molecular consequence: synonymous variant. On other transcripts: non-coding transcript variant (2).
Genome position (GRCh38, 1-based): chr6:98,899,436, A>G on the plus strand (T>C on the coding strand, the complement: FBXL4 is on the minus strand). VCF-style: chr6-98899436-A-G. GRCh37 (hg19) VCF-style: chr6-99347312-A-G.
Other names: c.1149T>C, p.Ser383= (NM_012160.5).
Identifiers: ClinVar variation 437703 (VCV000437703.1), dbSNP rs777819311, ClinGen allele CA3933513.

ClinVar aggregate classification (germline): Uncertain significance (1 of 4 stars; one submission).

Conditions:
Mitochondrial DNA depletion syndrome 13. Also called: FBXL4-Related Encephalomyopathic Mitochondrial DNA Depletion Syndrome; Mitochondrial DNA depletion syndrome 13 (encephalomyopathic type). Identifiers: Orphanet 369897, MedGen C3809592, MONDO:0014198, OMIM 615471.

Allele frequency attached by ClinVar (database versions not stated): TOPMed below 0.00001; gnomAD 0.00001; gnomAD exomes 0.00001; ExAC 0.00002.
gnomAD v4.1: 14 of 1,613,850 alleles (0.00087%); highest among the groups gnomAD compares: Non-Finnish European, 0.0011%; no homozygotes.

Submission:

Wong Mito Lab, Molecular and Human Genetics, Baylor College of Medicine
Classification: Uncertain significance for Mitochondrial DNA depletion syndrome 13. Last evaluated: 2017-08-10. Review status: criteria provided, single submitter. Criteria: ACMG Guidelines, 2015. Collection method: reference population. Allele origin: germline.
Comment: The NM_012160.4:c.1149T>C (NP_036292.2:p.Ser383=) [GRCH38: NC_000006.12:g.98899436A>G] variant in FBXL4 gene is interpretated to be a Uncertain Significance - Conflicting Evidence based on ACMG guidelines (PMID: 25741868). This variant meets one or more of the following evidence codes reported in the ACMG-guideline. PM2:This variant is absent in key population databases. BP4:Computational evidence/predictors indicate no impact on the FBXL4 structure, function, or protein-protein interaction. BP7:The variant is silent with non predicted splice impact. Based on this evidence code ClinGen Pathogenicity Calculator (PMID:28081714) suggested that the variant is Uncertain Significance - Conflicting Evidence.